The following is an entry in ClinVar:

NM_000260.4(MYO7A):c.6054G>T (p.Glu2018Asp)

Gene: MYO7A (myosin VIIA; plus strand). Cytogenetic location: 11q13.5.
Variant type: single nucleotide variant.
Coding change: c.6054G>T on transcript NM_000260.4 (MANE Select); coding-DNA position 6054, G replaced by T.
Protein change: p.Glu2018Asp; replaces glutamic acid 2018 with aspartic acid.
Molecular consequence: missense variant.
Genome position (GRCh38, 1-based): chr11:77,211,154, G>T. VCF-style: chr11-77211154-G-T. GRCh37 (hg19) VCF-style: chr11-76922199-G-T.
Other names: c.5940G>T, p.Glu1980Asp (NM_001127180.2); c.5907G>T, p.Glu1969Asp (NM_001369365.1); short protein forms E1969D, E2018D, E1980D.
Identifiers: ClinVar variation 4999173 (VCV004999173.1).

ClinVar aggregate classification (germline): Uncertain significance (1 of 4 stars; one submission).

Conditions:
MYO7A-related disorder. Also called: MYO7A-related disorders.

Submission:

PreventionGenetics, part of Exact Sciences
Classification: Uncertain significance for MYO7A-related condition. Last evaluated: 2025-03-05. Review status: criteria provided, single submitter. Criteria: ACMG Guidelines, 2015. Collection method: clinical testing. Allele origin: germline.
Comment: The MYO7A c.6054G>T variant is predicted to result in the amino acid substitution p.Glu2018Asp. To our knowledge, this variant has not been reported in the literature or in a large population database (gnomAD), indicating this variant is rare. At this time, the clinical significance of this variant is uncertain due to the absence of conclusive functional and genetic evidence.